The following is an entry in ClinVar:

NM_024422.6(DSC2):c.1901G>T (p.Arg634Leu)

Gene: DSC2 (desmocollin 2; minus strand). Cytogenetic location: 18q12.1.
Variant type: single nucleotide variant.
Coding change: c.1901G>T on transcript NM_024422.6 (MANE Select); coding-DNA position 1901, G replaced by T.
Protein change: p.Arg634Leu; replaces arginine 634 with leucine.
Molecular consequence: missense variant.
Genome position (GRCh38, 1-based): chr18:31,071,829, C>A on the plus strand (G>T on the coding strand, the complement: DSC2 is on the minus strand). VCF-style: chr18-31071829-C-A. GRCh37 (hg19) VCF-style: chr18-28651795-C-A.
Other names: c.1901G>T, p.Arg634Leu (NM_004949.5); short protein forms R634L.
Identifiers: ClinVar variation 518948 (VCV000518948.6), dbSNP rs200475862, ClinGen allele CA402113491.
Genomic context (GRCh38, chr18:31,071,829, plus strand): 5'-TCTCTCACTGTTATAGGTACTACATATGAGCCAAATGGAGGATCATTCTGATAGGAAAGA[C>A]GTGCTGCTGTATCTGAAAATATAAATAAATAAAACCAAACATTATACAATGTCACTGATT-3'
Protein context (NP_077740.1, residues 624-644): RLKAINDTAA[Arg634Leu]LSYQNDPPFG

ClinVar aggregate classification (germline): Conflicting classifications of pathogenicity. Review status: criteria provided, conflicting classifications (1 of 4 stars). 2 submissions from 2 submitters: Uncertain significance (1); Likely benign (1). Last evaluated 2024-12-10.

Conditions:
Cardiovascular phenotype. Identifiers: MedGen CN230736.
Cardiomyopathy (CMYO). Also called: Cardiomyopathies. Identifiers: Orphanet 167848, MedGen C0878544, MONDO:0004994, HP:0001638. Inheritance: Various modes of inheritance.

Submissions (2):

Color Diagnostics, LLC DBA Color Health
Classification: Likely benign for Cardiomyopathy. Last evaluated: 2024-12-10. Review status: criteria provided, single submitter. Criteria: ACMG Guidelines, 2015. Collection method: clinical testing. Allele origin: germline.

Ambry Genetics
Classification: Uncertain significance for Cardiovascular phenotype. Last evaluated: 2016-10-12. Review status: criteria provided, single submitter. Criteria: Ambry Variant Classification Scheme 2023. Collection method: clinical testing. Allele origin: germline.
Comment: The p.R634L variant (also known as c.1901G>T), located in coding exon 13 of the DSC2 gene, results from a G to T substitution at nucleotide position 1901. The arginine at codon 634 is replaced by leucine, an amino acid with dissimilar properties. A different alteration affecting this amino acid (p. R634H, c.1901G>A) was previously detected in a patient who reportedly had features of both long QT syndrome and arrhythmogenic right ventricular cardiomyopathy/dysplasia; however, the patient also carried variants in other cardiac-related genes (Tisma-Dupanovic S et al. Ann Noninvasive Electrocardiol. 2013;18:75-8). This variant was not reported in population based cohorts in the following databases: Database of Single Nucleotide Polymorphisms (dbSNP), NHLBI Exome Sequencing Project (ESP), Exome Aggregation Consortium (ExAC), and 1000 Genomes Project. In the ESP, this variant was not observed in 6503 samples (13006 alleles) with coverage at this position. This amino acid position is not well conserved in available vertebrate species, and leucine is the reference amino acid in other vertebrate species. In addition, this alteration is predicted to be tolerated by in silico analysis. Since supporting evidence is limited at this time, the clinical significance of this alteration remains unclear.

Literature cited by the submitters: PubMed 23347029 (cited by Ambry Genetics).